The following is an entry in ClinVar:

NM_130839.5(UBE3A):c.1494G>A (p.Met498Ile)

Genes: SNHG14 (small nucleolar RNA host gene 14; plus strand), UBE3A (ubiquitin protein ligase E3A; minus strand). Cytogenetic location: 15q11.2.
Variant type: single nucleotide variant.
Coding change: c.1494G>A on transcript NM_130839.5 (MANE Select); coding-DNA position 1494, G replaced by A.
Protein change: p.Met498Ile; replaces methionine 498 with isoleucine.
Molecular consequence: missense variant. On other transcripts: non-coding transcript variant (1), intron variant (2).
Genome position (GRCh38, 1-based): chr15:25,370,680, C>T on the plus strand (G>A on the coding strand, the complement: UBE3A is on the minus strand). VCF-style: chr15-25370680-C-T. GRCh37 (hg19) VCF-style: chr15-25615827-C-T.
Other names: c.1317G>A, p.Met439Ile (NM_001354546.2); c.1434G>A, p.Met478Ile (NM_001354547.2, NM_001354548.2, NM_001354549.2 and 17 more transcripts); c.301+4785G>A (NM_001354551.2); c.361+4785G>A (NM_001354550.2); c.1503G>A, p.Met501Ile (NM_000462.5); c.1494G>A, p.Met498Ile (NM_001354505.1, NM_001354538.2, NM_001354545.2); short protein forms M478I, M498I, M439I, M501I.
Identifiers: ClinVar variation 156133 (VCV000156133.1), dbSNP rs587782916, ClinGen allele CA333428.

ClinVar aggregate classification (germline): Uncertain significance (0 of 4 stars; one submission).

Conditions:
Angelman syndrome (AS). Also called: HAPPY PUPPET SYNDROME. Identifiers: Orphanet 72, MedGen C0162635, MONDO:0007113, OMIM 105830. Disease mechanism: loss of function. Inheritance: AS is caused by disruption of maternally imprinted UBE3A located within the 15q11.2-q13 Angelman syndrome/Prader-Willi syndrome (AS/PWS) region., imprinting disorder.

Submission:

Baylor Genetics
Classification: Uncertain significance for Angelman syndrome. Last evaluated: 2014-02-14. Review status: no assertion criteria provided. Collection method: clinical testing. Allele origin: germline. Affected: yes. Observed: 1 variant allele. Study: UBE3A Mutation Study.
Comment: possible diagnosis of Angelman syndrome

Data collected from clinical UBE3A sequence analysis results

Literature cited by the submitters: PubMed 25212744.